The following is an entry in ClinVar:

ClinVar aggregate classification (germline): Pathogenic. Review status: criteria provided, single submitter (1 of 4 stars). 2 submissions from 2 submitters: Pathogenic (1). 1 of the submissions does not count toward it. Last evaluated 2025-02-22.

Conditions:
Nephronophthisis. Also called: Juvenile Nephronophthisis. Identifiers: Orphanet 655, MedGen C0687120, MONDO:0019005, HP:0000090.
Nephronophthisis 1 (NPHP1). Also called: Nephronophthisis familial juvenile. Identifiers: Orphanet 655, Orphanet 93592, MedGen C1855681, MONDO:0009728, OMIM 256100.

Allele frequency attached by ClinVar (database versions not stated): gnomAD exomes below 0.00001 and 0.00001; ExAC 0.00001; gnomAD 0.00001.

Submissions (2):

Labcorp Genetics (formerly Invitae), Labcorp
Classification: Pathogenic for Nephronophthisis. Last evaluated: 2025-02-22. Review status: criteria provided, single submitter. Criteria: Invitae Variant Classification Sherloc (09022015). Collection method: clinical testing. Allele origin: germline.
Comment: This sequence change affects a splice site in intron 14 of the NPHP1 gene. It is expected to disrupt RNA splicing. Variants that disrupt the donor or acceptor splice site typically lead to a loss of protein function (PMID: 16199547), and loss-of-function variants in NPHP1 are known to be pathogenic (PMID: 23559409). This variant is present in population databases (rs747861275, gnomAD 0.002%). Disruption of this splice site has been observed in individual(s) with nephronophthisis (PMID: 9326933; internal data). In at least one individual the data is consistent with being in trans (on the opposite chromosome) from a pathogenic variant. ClinVar contains an entry for this variant (Variation ID: 462705). Algorithms developed to predict the effect of sequence changes on RNA splicing suggest that this variant may disrupt the consensus splice site. For these reasons, this variant has been classified as Pathogenic.

OMIM
Classification: Pathogenic for NEPHRONOPHTHISIS 1. Last evaluated: 1997-10-01. Review status: no assertion criteria provided. Collection method: literature only. Allele origin: germline. Not counted in ClinVar's aggregate classification.

Literature cited by the submitters: PubMed 16199547 (cited by Labcorp Genetics (formerly Invitae), Labcorp); PubMed 23559409 (cited by Labcorp Genetics (formerly Invitae), Labcorp); PubMed 9326933 (cited by Labcorp Genetics (formerly Invitae), Labcorp and OMIM).

NM_001128178.3(NPHP1):c.1352+1del

Gene: NPHP1 (nephrocystin 1; minus strand). Cytogenetic location: 2q13.
Variant type: Deletion.
Coding change: c.1352+1del on transcript NM_001128178.3 (MANE Select); the canonical splice donor site of the intron after coding-DNA position 1352, one base deleted (G; older notation c.1352+1delG).
Molecular consequence: splice donor variant.
Genome position (GRCh38, 1-based): chr2:110,146,752, C deleted on the plus strand (G on the coding strand, the reverse complement: NPHP1 is on the minus strand). VCF-style (leftmost placement, unchanged base first): chr2-110146751-AC-A. GRCh37 (hg19) VCF-style: chr2-110904328-AC-A.
Other names: c.1163+1del (NM_001128179.3); c.1349+1del (NM_001374256.1); c.1352+1del (NM_001374257.1); c.1517+1del (NM_207181.4); c.1520+1del (NM_000272.5).
Identifiers: ClinVar variation 462705 (VCV000462705.8), dbSNP rs747861275, ClinGen allele CA1827056.